The following is an entry in ClinVar:

NM_001290043.2(TAP2):c.44T>C (p.Val15Ala)

Gene: TAP2 (transporter 2, ATP binding cassette subfamily B member; minus strand). Cytogenetic location: 6p21.32.
Variant type: single nucleotide variant.
Coding change: c.44T>C on transcript NM_001290043.2 (MANE Select); coding-DNA position 44, T replaced by C.
Protein change: p.Val15Ala; replaces valine 15 with alanine.
Molecular consequence: missense variant.
Genome position (GRCh38, 1-based): chr6:32,838,190, A>G on the plus strand (T>C on the coding strand, the complement: TAP2 is on the minus strand). VCF-style: chr6-32838190-A-G. GRCh37 (hg19) VCF-style: chr6-32805967-A-G.
Other names: c.44T>C, p.Val15Ala (NM_000544.3, NM_018833.3); short protein forms V15A.
Identifiers: ClinVar variation 377081 (VCV000377081.16), dbSNP rs55827768, ClinGen allele CA3746237.

ClinVar aggregate classification (germline): Benign/Likely benign. Review status: criteria provided, multiple submitters, no conflicts (2 of 4 stars). 4 submissions from 4 submitters: Benign (1); Likely benign (3). Last evaluated 2026-04-06.

Conditions:
MHC class I deficiency. Identifiers: Orphanet 34592, MedGen C6024714, MONDO:0011476.

Allele frequency attached by ClinVar (database versions not stated): 1000 Genomes Project 0.00879; gnomAD 0.00817 and 0.00792; ESP Exome Variant Server 0.00961; 1000 Genomes Project 30x 0.00984; TOPMed 0.00855.

Submissions (4):

Women's Health and Genetics/Laboratory Corporation of America, LabCorp
Classification: Likely benign. Last evaluated: 2026-04-06. Review status: criteria provided, single submitter. Criteria: LabCorp Variant Classification Summary - May 2015. Collection method: clinical testing. Allele origin: germline.

Labcorp Genetics (formerly Invitae), Labcorp
Classification: Benign for MHC class I deficiency 1. Last evaluated: 2026-02-02. Review status: criteria provided, single submitter. Criteria: Invitae Variant Classification Sherloc (09022015). Collection method: clinical testing. Allele origin: germline.

Center for Pediatric Genomic Medicine, Children's Mercy Hospital and Clinics
Classification: Likely benign. Last evaluated: 2017-01-10. Review status: criteria provided, single submitter. Criteria: ACMG Guidelines, 2015. Collection method: clinical testing. Allele origin: germline.
ClinVar note: Converted during submission from Likely Benign to Likely benign.

Breakthrough Genomics
Classification: Likely benign. Review status: criteria provided, single submitter. Criteria: ACMG Guidelines, 2015. Collection method: not provided. Allele origin: germline. Inheritance: Autosomal recessive inheritance. Affected: yes.